The following is an entry in ClinVar:

ClinVar aggregate classification (germline): Uncertain significance (1 of 4 stars; one submission).

Conditions:
Aortic valve disease 2 (AOVD2). Identifiers: MedGen C3542024, MONDO:0013902, OMIM 614823.

Submission:

Labcorp Genetics (formerly Invitae), Labcorp
Classification: Uncertain significance for Aortic valve disease 2. Last evaluated: 2022-09-15. Review status: criteria provided, single submitter. Criteria: Invitae Variant Classification Sherloc (09022015). Collection method: clinical testing. Allele origin: germline.
Comment: This sequence change replaces serine, which is neutral and polar, with arginine, which is basic and polar, at codon 515 of the TBX5 protein (p.Ser515Arg). This variant is not present in population databases (gnomAD no frequency). This variant has not been reported in the literature in individuals affected with TBX5-related conditions. Advanced modeling of protein sequence and biophysical properties (such as structural, functional, and spatial information, amino acid conservation, physicochemical variation, residue mobility, and thermodynamic stability) performed at Invitae indicates that this missense variant is not expected to disrupt TBX5 protein function. In summary, the available evidence is currently insufficient to determine the role of this variant in disease. Therefore, it has been classified as a Variant of Uncertain Significance.

NM_181486.4(TBX5):c.1545C>A (p.Ser515Arg)

Gene: TBX5 (T-box transcription factor 5; minus strand). Cytogenetic location: 12q24.21.
Variant type: single nucleotide variant.
Coding change: c.1545C>A on transcript NM_181486.4 (MANE Select); coding-DNA position 1545, C replaced by A.
Protein change: p.Ser515Arg; replaces serine 515 with arginine.
Molecular consequence: missense variant.
Genome position (GRCh38, 1-based): chr12:114,355,544, G>T on the plus strand (C>A on the coding strand, the complement: TBX5 is on the minus strand). VCF-style: chr12-114355544-G-T. GRCh37 (hg19) VCF-style: chr12-114793349-G-T.
Other names: c.1545C>A, p.Ser515Arg (NM_000192.3); c.1395C>A, p.Ser465Arg (NM_080717.4); short protein forms S465R, S515R.
Identifiers: ClinVar variation 1912049 (VCV001912049.5), dbSNP rs186780790, ClinGen allele CA6809319.